The following is an entry in ClinVar:

ClinVar aggregate classification (germline): Pathogenic/Likely pathogenic. Review status: criteria provided, multiple submitters, no conflicts (2 of 4 stars). 5 submissions from 5 submitters: Pathogenic (2); Likely pathogenic (3). Last evaluated 2025-10-22.

Conditions:
Hereditary cancer-predisposing syndrome. Also called: Hereditary neoplastic syndrome; Neoplastic Syndromes, Hereditary; Tumor predisposition; Hereditary Cancer Syndrome. Identifiers: Orphanet 140162, MedGen C0027672, MeSH D009386, MONDO:0015356.
Hereditary breast ovarian cancer syndrome. Also called: Hereditary breast and ovarian cancer syndrome (HBOC); Breast and ovarian cancer; Hereditary breast and ovarian cancer syndrome; Hereditary breast and/or ovarian cancer syndrome; BRCA1- and BRCA2-Associated Hereditary Breast and Ovarian Cancer; Hereditary breast and ovarian cancer. Identifiers: Orphanet 145, MedGen C0677776, MeSH D061325, MONDO:0003582. Disease mechanism: loss of function.
CHEK2-related cancer predisposition (TPDS4). Also called: TUMOR PREDISPOSITION SYNDROME 4; CANCER PREDISPOSITION SYNDROME, CHEK2-RELATED; CHEK2-related cancer susceptibility. Identifiers: Orphanet 524, MedGen C5882668, MONDO:0700271, OMIM 609265.
Familial cancer of breast. Also called: BREAST CANCER, FAMILIAL; Hereditary breast cancer; hereditary breast carcinoma. Identifiers: Orphanet 227535, MedGen C0346153, MONDO:0016419, OMIM 114480. Disease mechanism: loss of function.

Submissions (5):

Clinical Genetics Laboratory, University Hospital Schleswig-Holstein
Classification: Likely pathogenic for CHEK2-related cancer predisposition. Last evaluated: 2025-10-22. Review status: criteria provided, single submitter. Criteria: ACMG Guidelines, 2015. Collection method: clinical testing. Allele origin: germline. Observed: 2 heterozygotes.
Comment: ACMG criteria applied: PM2, PS4_Supporting, PVS1_Strong

German Consortium for Hereditary Breast and Ovarian Cancer, University Hospital Cologne
Classification: Likely pathogenic for Hereditary breast ovarian cancer syndrome. Last evaluated: 2025-10-14. Review status: criteria provided, single submitter. Criteria: ACMG Guidelines, 2015. Collection method: curation. Allele origin: germline.
Comment: This classification follows the ACMG SVI adaptation classification scheme; We chose these criteria: PVS1 (strong pathogenic): results in the truncation of the critical NLS-3 domain, which mediates proper localization of the protein (Zannini L et al. J. Biol. Chem. 2003 Oct; 278(43):42346-51), not predicted to undergo NMD, PM2 (supporting pathogenic): absent from gnomAD v2/3/4, PM5 (supporting pathogenic): loss of NLS (functional analysis in Stolarova 2023)

Myriad Genetics, Inc.
Classification: Pathogenic for Familial cancer of breast. Last evaluated: 2023-06-29. Review status: criteria provided, single submitter. Criteria: Myriad Autosomal Dominant, Autosomal Recessive and X-Linked Classification Criteria (2023). Collection method: clinical testing. Allele origin: unknown.
Comment: This variant is considered pathogenic. This variant creates a termination codon and is predicted to result in premature protein truncation.

Labcorp Genetics (formerly Invitae), Labcorp
Classification: Likely pathogenic for Familial cancer of breast. Last evaluated: 2022-04-02. Review status: criteria provided, single submitter. Criteria: Invitae Variant Classification Sherloc (09022015). Collection method: clinical testing. Allele origin: germline.
Comment: This sequence change creates a premature translational stop signal (p.Gln514*) in the CHEK2 gene. While this is not anticipated to result in nonsense mediated decay, it is expected to disrupt the last 30 amino acid(s) of the CHEK2 protein. This variant is not present in population databases (gnomAD no frequency). This variant has not been reported in the literature in individuals affected with CHEK2-related conditions. Algorithms developed to predict the effect of sequence changes on RNA splicing suggest that this variant may create or strengthen a splice site. This variant disrupts the nuclear localization signal (NLS) of the CHEK2 protein, which is critical for proper nuclear localization (PMID: 18004398, 12909615). While functional studies have not been performed to directly test the effect of this variant on CHEK2 protein function, this suggests that disruption of this region of the protein is causative of disease. In summary, the currently available evidence indicates that the variant is pathogenic, but additional data are needed to prove that conclusively. Therefore, this variant has been classified as Likely Pathogenic.

Ambry Genetics
Classification: Pathogenic for Hereditary cancer-predisposing syndrome. Last evaluated: 2015-12-30. Review status: criteria provided, single submitter. Criteria: Ambry Variant Classification Scheme 2023. Collection method: clinical testing. Allele origin: germline.
Comment: The p.Q514* pathogenic mutation (also known as c.1540C>T), located in coding exon 13 of the CHEK2 gene, results from a C to T substitution at nucleotide position 1540. This changes the amino acid from a glutamine to a stop codon within coding exon 13. This mutation results in the truncation of the critical NLS-3 (nuclear localization signal-3) domain of the CHEK2 gene, which mediates proper localization of the protein (Zannini L et al. J. Biol. Chem. 2003 Oct; 278(43):42346-51). Since premature stop codons are typically deleterious in nature, this alteration is interpreted as a disease-causing mutation (ACMG Recommendations for Standards for Interpretation and Reporting of Sequence Variations. Revision 2007. Genet Med. 2008;10:294).

Literature cited by the submitters: PubMed 18004398 (cited by Labcorp Genetics (formerly Invitae), Labcorp); PubMed 12909615 (cited by Labcorp Genetics (formerly Invitae), Labcorp).

NM_007194.4(CHEK2):c.1540C>T (p.Gln514Ter)

Gene: CHEK2 (checkpoint kinase 2; minus strand). Cytogenetic location: 22q12.1.
Variant type: single nucleotide variant.
Coding change: c.1540C>T on transcript NM_007194.4 (MANE Select); coding-DNA position 1540, C replaced by T.
Protein change: p.Gln514Ter; replaces glutamine 514 with a stop codon.
Molecular consequence: nonsense.
Genome position (GRCh38, 1-based): chr22:28,689,137, G>A on the plus strand (C>T on the coding strand, the complement: CHEK2 is on the minus strand). VCF-style: chr22-28689137-G-A. GRCh37 (hg19) VCF-style: chr22-29085125-G-A.
Other names: c.1669C>T, p.Gln557Ter (NM_001005735.3); c.877C>T, p.Gln293Ter (NM_001257387.3); c.1339C>T, p.Gln447Ter (NM_001349956.3); c.1453C>T, p.Gln485Ter (NM_145862.3); short protein forms Q447*, Q514*, Q485*, Q557*, Q293*.
Identifiers: ClinVar variation 1774842 (VCV001774842.11), dbSNP rs2145748011, ClinGen allele CA411092296.